The following is an entry in ClinVar:

NM_005802.5(TOPORS):c.1321A>G (p.Thr441Ala)

Gene: TOPORS (TOP1 binding arginine/serine rich protein, E3 ubiquitin ligase; minus strand). Cytogenetic location: 9p21.1.
Variant type: single nucleotide variant.
Coding change: c.1321A>G on transcript NM_005802.5 (MANE Select); coding-DNA position 1321, A replaced by G.
Protein change: p.Thr441Ala; replaces threonine 441 with alanine.
Molecular consequence: missense variant.
Genome position (GRCh38, 1-based): chr9:32,543,204, T>C on the plus strand (A>G on the coding strand, the complement: TOPORS is on the minus strand). VCF-style: chr9-32543204-T-C. GRCh37 (hg19) VCF-style: chr9-32543202-T-C.
Other names: c.1126A>G, p.Thr376Ala (NM_001195622.2); short protein forms T376A, T441A.
Identifiers: ClinVar variation 1907509 (VCV001907509.5), dbSNP rs575026005, ClinGen allele CA5020538.

ClinVar aggregate classification (germline): Uncertain significance (1 of 4 stars; one submission).

Allele frequency attached by ClinVar (database versions not stated): ExAC 0.00001; gnomAD 0.00001; 1000 Genomes Project 30x 0.00016; 1000 Genomes Project 0.00020.
gnomAD v4.1: 1 of 1,613,766 alleles (0.000062%); highest among the groups gnomAD compares: Admixed American, 0.0017%; no homozygotes.

Submission:

Labcorp Genetics (formerly Invitae), Labcorp
Classification: Uncertain significance. Last evaluated: 2022-05-17. Review status: criteria provided, single submitter. Criteria: Invitae Variant Classification Sherloc (09022015). Collection method: clinical testing. Allele origin: germline.
Comment: In summary, the available evidence is currently insufficient to determine the role of this variant in disease. Therefore, it has been classified as a Variant of Uncertain Significance. Algorithms developed to predict the effect of missense changes on protein structure and function (SIFT, PolyPhen-2, Align-GVGD) all suggest that this variant is likely to be tolerated. This variant has not been reported in the literature in individuals affected with TOPORS-related conditions. This variant is present in population databases (rs575026005, gnomAD 0.003%). This sequence change replaces threonine, which is neutral and polar, with alanine, which is neutral and non-polar, at codon 441 of the TOPORS protein (p.Thr441Ala).